The following is an entry in ClinVar:

ClinVar aggregate classification (germline): Conflicting classifications of pathogenicity. Review status: criteria provided, conflicting classifications (1 of 4 stars). 4 submissions from 4 submitters: Uncertain significance (3); Likely benign (1). Last evaluated 2026-09-01.

Conditions:
3-methylglutaconic aciduria, type VIIB (MGCA7B). Also called: CLPB Deficiency; 3-methylglutaconic aciduria with cataracts, neurologic involvement and neutropenia; 3-methylglutaconic aciduria, type VII, with cataracts, neurologic involvement and neutropenia. Identifiers: Orphanet 445038, MedGen C5676893, MONDO:0014561, OMIM 616271.
Inborn genetic diseases. Identifiers: MedGen C0950123, MeSH D030342.

Allele frequency attached by ClinVar (database versions not stated): TOPMed below 0.00001; gnomAD 0.00001.
gnomAD v4.1: 4 of 1,611,840 alleles (0.00025%); highest among the groups gnomAD compares: South Asian, 0.0033%; no homozygotes.

Submissions (4):

CeGaT Center for Human Genetics Tuebingen
Classification: Likely benign. Last evaluated: 2026-09-01. Review status: criteria provided, single submitter. Criteria: CeGaT Center For Human Genetics Tuebingen Variant Classification Criteria Version 2. Collection method: clinical testing. Allele origin: germline. Affected: yes. Observed: 1 variant allele.
Comment: CLPB: BP4

Blueprint Genetics
Classification: Uncertain significance. Last evaluated: 2024-08-14. Review status: criteria provided, single submitter. Criteria: ACMG Guidelines, 2015. Collection method: clinical testing. Allele origin: germline.

Ambry Genetics
Classification: Uncertain significance for Inborn genetic diseases. Last evaluated: 2024-07-02. Review status: criteria provided, single submitter. Criteria: Ambry Variant Classification Scheme 2023. Collection method: clinical testing. Allele origin: germline.

Labcorp Genetics (formerly Invitae), Labcorp
Classification: Uncertain significance for 3-methylglutaconic aciduria with cataracts, neurologic involvement, and neutropenia. Last evaluated: 2019-09-30. Review status: criteria provided, single submitter. Criteria: Invitae Variant Classification Sherloc (09022015). Collection method: clinical testing. Allele origin: germline.
Comment: This sequence change replaces alanine with glycine at codon 119 of the CLPB protein (p.Ala119Gly). The alanine residue is moderately conserved and there is a small physicochemical difference between alanine and glycine. This variant is not present in population databases (ExAC no frequency). This variant has not been reported in the literature in individuals with CLPB-related conditions. Algorithms developed to predict the effect of missense changes on protein structure and function are either unavailable or do not agree on the potential impact of this missense change (SIFT: "Deleterious"; PolyPhen-2: "Possibly Damaging"; Align-GVGD: "Class C0"). In summary, the available evidence is currently insufficient to determine the role of this variant in disease. Therefore, it has been classified as a Variant of Uncertain Significance.

NM_001258392.3(CLPB):c.356C>G (p.Ala119Gly)

Gene: CLPB (ClpB family mitochondrial disaggregase; minus strand). Cytogenetic location: 11q13.4.
Variant type: single nucleotide variant.
Coding change: c.356C>G on transcript NM_001258392.3 (MANE Select); coding-DNA position 356, C replaced by G.
Protein change: p.Ala119Gly; replaces alanine 119 with glycine.
Molecular consequence: missense variant. On other transcripts: synonymous variant (1).
Genome position (GRCh38, 1-based): chr11:72,434,119, G>C on the plus strand (C>G on the coding strand, the complement: CLPB is on the minus strand). VCF-style: chr11-72434119-G-C. GRCh37 (hg19) VCF-style: chr11-72145163-G-C.
Other names: c.356C>G (NM_030813.3); c.356C>G, p.Ala119Gly (NM_001258393.3, NM_030813.6); c.114C>G, p.Gly38= (NM_001258394.3); short protein forms A119G.
Identifiers: ClinVar variation 934887 (VCV000934887.4), dbSNP rs1191592329, ClinGen allele CA381962871.
Genomic context (GRCh38, chr11:72,434,119, plus strand): 5'-ATCTCATAATCACCCTTGTTGGACGGACTCTTGCTGTAGCAATGAACCACCAGCGCTGCG[G>C]CCAGGGCGCACATGCCCAGTCCGGCCCTGCTGGGGACCCCGTTCCAGCTGTCCTGTCCTG-3'
Protein context (NP_001245321.1, residues 109-129): SRAGLGMCAL[Ala119Gly]AALVVHCYSK